The following is an entry in ClinVar:

ClinVar aggregate classification (germline): Uncertain significance (1 of 4 stars; one submission).

Conditions:
Hereditary cancer-predisposing syndrome. Also called: Tumor predisposition; Hereditary Cancer Syndrome; Neoplastic Syndromes, Hereditary; Hereditary neoplastic syndrome. Identifiers: Orphanet 140162, MedGen C0027672, MeSH D009386, MONDO:0015356.

Submission:

Ambry Genetics
Classification: Uncertain significance for Hereditary cancer-predisposing syndrome. Last evaluated: 2026-02-18. Review status: criteria provided, single submitter. Criteria: Ambry Variant Classification Scheme 2023. Collection method: clinical testing. Allele origin: germline.
Comment: The p.G1072E variant (also known as c.3215G>A), located in coding exon 22 of the SMARCA4 gene, results from a G to A substitution at nucleotide position 3215. The amino acid change results in glycine to glutamic acid at codon 1072, an amino acid with similar properties. However, this change occurs in the last base pair of coding exon 22, which makes it likely to have some effect on normal mRNA splicing. This nucleotide position is highly conserved in available vertebrate species. In silico splice site analysis predicts that this alteration may weaken the native splice donor site. This amino acid position is highly conserved in available vertebrate species. In addition, as a missense substitution this alteration is predicted to be deleterious by in silico analysis. Based on the available evidence, the clinical significance of this variant remains unclear.

NM_003072.5(SMARCA4):c.3215G>A (p.Gly1072Glu)

Gene: SMARCA4 (SWI/SNF related BAF chromatin remodeling complex subunit ATPase 4; plus strand). Cytogenetic location: 19p13.2.
Variant type: single nucleotide variant.
Coding change: c.3215G>A on transcript NM_003072.5 (MANE Select); coding-DNA position 3215, G replaced by A.
Protein change: p.Gly1072Glu; replaces glycine 1072 with glutamic acid.
Molecular consequence: missense variant. On other transcripts: non-coding transcript variant (1).
Genome position (GRCh38, 1-based): chr19:11,026,346, G>A. VCF-style: chr19-11026346-G-A. GRCh37 (hg19) VCF-style: chr19-11137022-G-A.
Other names: c.3215G>A, p.Gly1072Glu (NM_001128844.3, NM_001128845.2, NM_001128846.2 and 5 more transcripts); short protein forms G1072E.
Identifiers: ClinVar variation 484983 (VCV000484983.6), dbSNP rs1555781117, ClinGen allele CA404060181.